The following is an entry in ClinVar:

ClinVar aggregate classification (germline): Uncertain significance (1 of 4 stars; one submission).

Conditions:
BICC1-related disorder. Also called: BICC1-related condition.

Submission:

PreventionGenetics, part of Exact Sciences
Classification: Uncertain significance for BICC1-related condition. Last evaluated: 2025-02-09. Review status: criteria provided, single submitter. Criteria: ACMG Guidelines, 2015. Collection method: clinical testing. Allele origin: germline.
Comment: The BICC1 c.1162C>T variant is predicted to result in the amino acid substitution p.Pro388Ser. To our knowledge, this variant has not been reported in the literature or in a large population database (gnomAD), indicating this variant is rare. At this time, the clinical significance of this variant is uncertain due to the absence of conclusive functional and genetic evidence.

NM_001080512.3(BICC1):c.1162C>T (p.Pro388Ser)

Gene: BICC1 (BicC family RNA binding protein 1; plus strand). Cytogenetic location: 10q21.1.
Variant type: single nucleotide variant.
Coding change: c.1162C>T on transcript NM_001080512.3 (MANE Select); coding-DNA position 1162, C replaced by T.
Protein change: p.Pro388Ser; replaces proline 388 with serine.
Molecular consequence: missense variant.
Genome position (GRCh38, 1-based): chr10:58,793,598, C>T. VCF-style: chr10-58793598-C-T. GRCh37 (hg19) VCF-style: chr10-60553358-C-T.
Other names: short protein forms P388S.
Identifiers: ClinVar variation 4997186 (VCV004997186.1).